The following is an entry in ClinVar:

NM_000090.4(COL3A1):c.2904G>A (p.Arg968=)

Gene: COL3A1 (collagen type III alpha 1 chain; plus strand). Cytogenetic location: 2q32.2.
Variant type: single nucleotide variant.
Coding change: c.2904G>A on transcript NM_000090.4 (MANE Select); coding-DNA position 2904, G replaced by A.
Protein change: p.Arg968=; no amino-acid change (arginine 968 retained).
Molecular consequence: synonymous variant.
Genome position (GRCh38, 1-based): chr2:189,004,337, G>A. VCF-style: chr2-189004337-G-A. GRCh37 (hg19) VCF-style: chr2-189869063-G-A.
Identifiers: ClinVar variation 511940 (VCV000511940.14), dbSNP rs780866547, ClinGen allele CA075696.

ClinVar aggregate classification (germline): Likely benign. Review status: criteria provided, multiple submitters, no conflicts (2 of 4 stars). 6 submissions from 6 submitters: Likely benign (6). Last evaluated 2026-05-04.

Conditions:
Familial thoracic aortic aneurysm and aortic dissection (TAAD). Also called: Thoracic aortic aneurysms and dissections. Identifiers: Orphanet 91387, MedGen C4707243, MONDO:0019625.
Ehlers-Danlos syndrome, type 4 (EDSVASC). Also called: Ehlers-Danlos syndrome vascular type; Ehlers Danlos syndrome, ecchymotic type; Ehlers Danlos syndrome, arterial type; Ehlers Danlos syndrome, Sack-Barabas type; Ehlers-Danlos Syndrome Type IV. Identifiers: Orphanet 286, MedGen C0268338, MONDO:0017314, OMIM 130050.

Allele frequency attached by ClinVar (database versions not stated): gnomAD exomes below 0.00001; TOPMed below 0.00001; ExAC 0.00001; gnomAD 0.00001.
gnomAD v4.1: 8 of 1,603,298 alleles (0.0005%); highest among the groups gnomAD compares: Non-Finnish European, 0.00068%; no homozygotes.

Submissions (6):

Women's Health and Genetics/Laboratory Corporation of America, LabCorp
Classification: Likely benign. Last evaluated: 2026-05-04. Review status: criteria provided, single submitter. Criteria: LabCorp Variant Classification Summary - May 2015. Collection method: clinical testing. Allele origin: germline.

Labcorp Genetics (formerly Invitae), Labcorp
Classification: Likely benign for Ehlers-Danlos syndrome, type 4. Last evaluated: 2024-12-16. Review status: criteria provided, single submitter. Criteria: Invitae Variant Classification Sherloc (09022015). Collection method: clinical testing. Allele origin: germline.

All of Us Research Program, National Institutes of Health
Classification: Likely benign for Ehlers-Danlos syndrome, type 4. Last evaluated: 2023-11-20. Review status: criteria provided, single submitter. Criteria: ACMG Guidelines, 2015. Collection method: clinical testing. Allele origin: germline. Inheritance: Autosomal dominant inheritance. Observed: 3 variant alleles, 3 heterozygotes.
Comment: This study involves interpretation of variants in research participants for the purpose of population health screening. Participant phenotype was not available at the time of variant classification. Additional details can be found in publication PMID: 35346344, PMCID: PMC8962531

Ambry Genetics
Classification: Likely benign for Familial thoracic aortic aneurysm and aortic dissection. Last evaluated: 2023-11-17. Review status: criteria provided, single submitter. Criteria: Ambry Variant Classification Scheme 2023. Collection method: clinical testing. Allele origin: germline.

Color Diagnostics, LLC DBA Color Health
Classification: Likely benign for Familial thoracic aortic aneurysm and aortic dissection. Last evaluated: 2022-11-06. Review status: criteria provided, single submitter. Criteria: ACMG Guidelines, 2015. Collection method: clinical testing. Allele origin: germline.

GeneDx
Classification: Likely benign. Last evaluated: 2017-09-08. Review status: criteria provided, single submitter. Criteria: GeneDx Variant Classification (06012015). Collection method: clinical testing. Allele origin: germline. Affected: yes.
Comment: This variant is considered likely benign or benign based on one or more of the following criteria: it is a conservative change, it occurs at a poorly conserved position in the protein, it is predicted to be benign by multiple in silico algorithms, and/or has population frequency not consistent with disease.